The following is an entry in ClinVar:

NM_001999.4(FBN2):c.1694A>G (p.Gln565Arg)

Gene: FBN2 (fibrillin 2; minus strand). Cytogenetic location: 5q23.3.
Variant type: single nucleotide variant.
Coding change: c.1694A>G on transcript NM_001999.4 (MANE Select); coding-DNA position 1694, A replaced by G.
Protein change: p.Gln565Arg; replaces glutamine 565 with arginine.
Molecular consequence: missense variant.
Genome position (GRCh38, 1-based): chr5:128,378,800, T>C on the plus strand (A>G on the coding strand, the complement: FBN2 is on the minus strand). VCF-style: chr5-128378800-T-C. GRCh37 (hg19) VCF-style: chr5-127714493-T-C.
Other names: short protein forms Q565R.
Identifiers: ClinVar variation 4775898 (VCV004775898.1).

ClinVar aggregate classification (germline): Uncertain significance (1 of 4 stars; one submission).

Conditions:
Congenital contractural arachnodactyly (CCA). Also called: BEALS SYNDROME; Arthrogryposis, distal, type 9; Beals-Hecht syndrome. Identifiers: Orphanet 115, MedGen C0220668, MONDO:0007363, OMIM 121050.

gnomAD v4.1: 3 of 1,613,118 alleles (0.00019%); highest among the groups gnomAD compares: Non-Finnish European, 0.00025%; no homozygotes.

Submission:

Labcorp Genetics (formerly Invitae), Labcorp
Classification: Uncertain significance for Congenital contractural arachnodactyly. Last evaluated: 2025-10-05. Review status: criteria provided, single submitter. Criteria: Invitae Variant Classification Sherloc (09022015). Collection method: clinical testing. Allele origin: germline.
Comment: This sequence change replaces glutamine, which is neutral and polar, with arginine, which is basic and polar, at codon 565 of the FBN2 protein (p.Gln565Arg). This variant is present in population databases (rs370778115, gnomAD 0.01%). This variant has not been reported in the literature in individuals affected with FBN2-related conditions. Invitae Evidence Modeling of protein sequence and biophysical properties (such as structural, functional, and spatial information, amino acid conservation, physicochemical variation, residue mobility, and thermodynamic stability) indicates that this missense variant is not expected to disrupt FBN2 protein function with a negative predictive value of 80%. In summary, the available evidence is currently insufficient to determine the role of this variant in disease. Therefore, it has been classified as a Variant of Uncertain Significance.